The following is an entry in ClinVar:

NM_000417.3(IL2RA):c.635C>T (p.Ser212Phe)

Gene: IL2RA (interleukin 2 receptor subunit alpha; minus strand). Cytogenetic location: 10p15.1.
Variant type: single nucleotide variant.
Coding change: c.635C>T on transcript NM_000417.3 (MANE Select); coding-DNA position 635, C replaced by T.
Protein change: p.Ser212Phe; replaces serine 212 with phenylalanine.
Molecular consequence: missense variant. On other transcripts: intron variant (1).
Genome position (GRCh38, 1-based): chr10:6,019,890, G>A on the plus strand (C>T on the coding strand, the complement: IL2RA is on the minus strand). VCF-style: chr10-6019890-G-A. GRCh37 (hg19) VCF-style: chr10-6061853-G-A.
Other names: c.419C>T, p.Ser140Phe (NM_001308242.2); c.368-391C>T (NM_001308243.2); short protein forms S140F, S212F.
Identifiers: ClinVar variation 1716719 (VCV001716719.5), dbSNP rs866292658, ClinGen allele CA202292640.

ClinVar aggregate classification (germline): Uncertain significance (1 of 4 stars; one submission).

Conditions:
Immunodeficiency due to CD25 deficiency. Also called: CD25 DEFICIENCY; IL2RA DEFICIENCY; IMMUNODEFICIENCY 41 WITH LYMPHOPROLIFERATION AND AUTOIMMUNITY. Identifiers: Orphanet 169100, MedGen C1853392, MONDO:0011664, OMIM 606367.

Submission:

Labcorp Genetics (formerly Invitae), Labcorp
Classification: Uncertain significance for Immunodeficiency due to CD25 deficiency. Last evaluated: 2022-08-19. Review status: criteria provided, single submitter. Criteria: Invitae Variant Classification Sherloc (09022015). Collection method: clinical testing. Allele origin: germline.
Comment: In summary, the available evidence is currently insufficient to determine the role of this variant in disease. Therefore, it has been classified as a Variant of Uncertain Significance. Algorithms developed to predict the effect of missense changes on protein structure and function (SIFT, PolyPhen-2, Align-GVGD) all suggest that this variant is likely to be disruptive. This variant has not been reported in the literature in individuals affected with IL2RA-related conditions. This variant is not present in population databases (gnomAD no frequency). This sequence change replaces serine, which is neutral and polar, with phenylalanine, which is neutral and non-polar, at codon 212 of the IL2RA protein (p.Ser212Phe).